The following is an entry in ClinVar:

NM_000393.5(COL5A2):c.2742G>A (p.Ala914=)

Gene: COL5A2 (collagen type V alpha 2 chain; minus strand). Cytogenetic location: 2q32.2.
Variant type: single nucleotide variant.
Coding change: c.2742G>A on transcript NM_000393.5 (MANE Select); coding-DNA position 2742, G replaced by A.
Protein change: p.Ala914=; no amino-acid change (alanine 914 retained).
Molecular consequence: synonymous variant.
Genome position (GRCh38, 1-based): chr2:189,052,199, C>T on the plus strand (G>A on the coding strand, the complement: COL5A2 is on the minus strand). VCF-style: chr2-189052199-C-T. GRCh37 (hg19) VCF-style: chr2-189916925-C-T.
Other names: c.2742G>A (NM_000393.3).
Identifiers: ClinVar variation 1163238 (VCV001163238.15), dbSNP rs773825862, ClinGen allele CA2022204.

ClinVar aggregate classification (germline): Conflicting classifications of pathogenicity. Review status: criteria provided, conflicting classifications (1 of 4 stars). 5 submissions from 5 submitters: Uncertain significance (1); Likely benign (3). 1 of the submissions does not count toward it. Last evaluated 2026-01-20.

Conditions:
Familial thoracic aortic aneurysm and aortic dissection (TAAD). Also called: Thoracic aortic aneurysms and dissections. Identifiers: Orphanet 91387, MedGen C4707243, MONDO:0019625.
COL5A2-related disorder. Also called: COL5A2-related condition.
Ehlers-Danlos syndrome, classic type, 1 (EDSCL1). Also called: EHLERS-DANLOS SYNDROME, GRAVIS TYPE; EHLERS-DANLOS SYNDROME, SEVERE CLASSIC TYPE; Ehlers-Danlos syndrome, type 1; Ehlers-Danlos Syndrome, Classic Type, COL5A1-Related; EDS I. Identifiers: MedGen C0268335, MONDO:0019567, OMIM 130000.

Allele frequency attached by ClinVar (database versions not stated): gnomAD exomes 0.00003 and 0.00002; TOPMed below 0.00001; gnomAD 0.00001; ExAC 0.00004.
gnomAD v4.1: 29 of 1,613,672 alleles (0.0018%); highest among the groups gnomAD compares: Admixed American, 0.0033%; no homozygotes.

Submissions (5):

Women's Health and Genetics/Laboratory Corporation of America, LabCorp
Classification: Likely benign. Last evaluated: 2026-01-20. Review status: criteria provided, single submitter. Criteria: LabCorp Variant Classification Summary - May 2015. Collection method: clinical testing. Allele origin: germline.

Labcorp Genetics (formerly Invitae), Labcorp
Classification: Likely benign for Ehlers-Danlos syndrome, classic type, 1. Last evaluated: 2025-06-04. Review status: criteria provided, single submitter. Criteria: Invitae Variant Classification Sherloc (09022015). Collection method: clinical testing. Allele origin: germline.

Ambry Genetics
Classification: Likely benign for Familial thoracic aortic aneurysm and aortic dissection. Last evaluated: 2023-08-31. Review status: criteria provided, single submitter. Criteria: Ambry Variant Classification Scheme 2023. Collection method: clinical testing. Allele origin: germline.

Mayo Clinic Laboratories, Mayo Clinic
Classification: Uncertain significance. Last evaluated: 2020-11-03. Review status: criteria provided, single submitter. Criteria: ACMG Guidelines, 2015. Collection method: clinical testing. Allele origin: germline. Observed: 2 variant alleles.

PreventionGenetics, part of Exact Sciences
Classification: Likely benign for COL5A2-related condition. Last evaluated: 2024-01-30. Review status: no assertion criteria provided. Collection method: clinical testing. Allele origin: germline. Not counted in ClinVar's aggregate classification.
Comment: This variant is classified as likely benign based on ACMG/AMP sequence variant interpretation guidelines (Richards et al. 2015 PMID: 25741868, with internal and published modifications).